The following is an entry in ClinVar:

ClinVar aggregate classification (germline): Uncertain significance (1 of 4 stars; one submission).

Conditions:
POLR1C-related disorder. Also called: POLR1C-related disorders; POLR1C-related condition. Identifiers: MedGen CN239394, MONDO:0700278.

Submission:

PreventionGenetics, part of Exact Sciences
Classification: Uncertain significance for POLR1C-related condition. Last evaluated: 2026-06-28. Review status: criteria provided, single submitter. Criteria: ACMG Guidelines, 2015. Collection method: clinical testing. Allele origin: germline.
Comment: The POLR1C c.422G>A variant is predicted to result in the amino acid substitution p.Arg141His. To our knowledge, this variant has not been reported in the literature. This variant is reported in 0.0065% of alleles in individuals of South Asian descent in gnomAD. At this time, the clinical significance of this variant is uncertain due to the absence of conclusive functional and genetic evidence.

NM_203290.4(POLR1C):c.422G>A (p.Arg141His)

Gene: POLR1C (RNA polymerase I and III subunit C; plus strand). Cytogenetic location: 6p21.1.
Variant type: single nucleotide variant.
Coding change: c.422G>A on transcript NM_203290.4 (MANE Select); coding-DNA position 422, G replaced by A.
Protein change: p.Arg141His; replaces arginine 141 with histidine.
Molecular consequence: missense variant.
Genome position (GRCh38, 1-based): chr6:43,520,105, G>A. VCF-style: chr6-43520105-G-A. GRCh37 (hg19) VCF-style: chr6-43487843-G-A.
Other names: c.422G>A, p.Arg141His (NM_001318876.2, NM_001363658.2); short protein forms R141H.
Identifiers: ClinVar variation 5002488 (VCV005002488.1).